The following is an entry in ClinVar:

ClinVar aggregate classification (germline): Benign/Likely benign. Review status: criteria provided, multiple submitters, no conflicts (2 of 4 stars). 9 submissions from 9 submitters: Benign (5); Likely benign (1). 3 of the submissions do not count toward it. Last evaluated 2026-08-01.

Conditions:
CHCHD10-related disorder. Also called: CHCHD10-Related Disorders; CHCHD10-related condition. Identifiers: MedGen CN381526.
Inborn genetic diseases. Identifiers: MedGen C0950123, MeSH D030342.
Lower motor neuron syndrome with late-adult onset (SMAJ). Also called: Spinal muscular atrophy, Jokela type; Late-Onset Spinal Motor Neuronopathy (SMAJ). Identifiers: Orphanet 276435, MedGen C3554398, MONDO:0014025, OMIM 615048.
Autosomal dominant mitochondrial myopathy with exercise intolerance (IMMD). Also called: Myopathy, isolated mitochondrial, autosomal dominant. Identifiers: Orphanet 457050, MedGen C4015513, MONDO:0014532, OMIM 616209.
Frontotemporal dementia and/or amyotrophic lateral sclerosis 2. Also called: FTDALS2. Identifiers: Orphanet 275872, MedGen C4014648, MONDO:0014395, OMIM 615911.

Allele frequency attached by ClinVar (database versions not stated): 1000 Genomes Project 0.00200; 1000 Genomes Project 30x 0.00203; TOPMed 0.00677; gnomAD 0.00737 and 0.00755; ESP Exome Variant Server 0.00755.
gnomAD v4.1: 16,614 of 1,608,354 alleles (1%); highest among the groups gnomAD compares: Non-Finnish European, 1.2%; 89 homozygotes.

Submissions (9):

CeGaT Center for Human Genetics Tuebingen
Classification: Benign. Last evaluated: 2026-08-01. Review status: criteria provided, single submitter. Criteria: CeGaT Center For Human Genetics Tuebingen Variant Classification Criteria Version 2. Collection method: clinical testing. Allele origin: germline. Affected: yes. Observed: 45 variant alleles.
Comment: CHCHD10: BP4, BP7, BS1, BS2

Labcorp Genetics (formerly Invitae), Labcorp
Classification: Benign for Lower motor neuron syndrome with late-adult onset; Frontotemporal dementia and/or amyotrophic lateral sclerosis 2; Autosomal dominant mitochondrial myopathy with exercise intolerance. Last evaluated: 2026-02-03. Review status: criteria provided, single submitter. Criteria: Invitae Variant Classification Sherloc (09022015). Collection method: clinical testing. Allele origin: germline.

Mayo Clinic Laboratories, Mayo Clinic
Classification: Benign. Last evaluated: 2023-09-13. Review status: criteria provided, single submitter. Criteria: ACMG Guidelines, 2015. Collection method: clinical testing. Allele origin: germline. Observed: 55 variant alleles.
Comment: BS1, BS2, BP4, BP7

Ambry Genetics
Classification: Likely benign for Inborn genetic diseases. Last evaluated: 2019-07-11. Review status: criteria provided, single submitter. Criteria: Ambry Variant Classification Scheme 2023. Collection method: clinical testing. Allele origin: germline.

GeneDx
Classification: Benign. Last evaluated: 2018-08-28. Review status: criteria provided, single submitter. Criteria: GeneDx Variant Classification Process June 2021. Collection method: clinical testing. Allele origin: germline. Affected: yes.
Comment: This variant is associated with the following publications: (PMID: 27095681, 25726362)

Breakthrough Genomics
Classification: Benign. Review status: criteria provided, single submitter. Criteria: ACMG Guidelines, 2015. Collection method: not provided. Allele origin: germline. Inheritance: Autosomal dominant inheritance. Affected: yes.

PreventionGenetics, part of Exact Sciences
Classification: Benign for CHCHD10-related condition. Last evaluated: 2019-06-13. Review status: no assertion criteria provided. Collection method: clinical testing. Allele origin: germline. Not counted in ClinVar's aggregate classification.
Comment: This variant is classified as benign based on ACMG/AMP sequence variant interpretation guidelines (Richards et al. 2015 PMID: 25741868, with internal and published modifications).

Clinical Genetics, Academic Medical Center
Classification: Benign. Review status: no assertion criteria provided. Collection method: clinical testing. Allele origin: germline. Affected: yes. Study: VKGL Data-share Consensus. Not counted in ClinVar's aggregate classification.

Genome Diagnostics Laboratory, Amsterdam University Medical Center
Classification: Benign. Review status: no assertion criteria provided. Collection method: clinical testing. Allele origin: germline. Affected: yes. Study: VKGL Data-share Consensus. Not counted in ClinVar's aggregate classification.

Literature cited by the submitters: PubMed 25726362 (cited by Mayo Clinic Laboratories, Mayo Clinic); PubMed 27095681 (cited by Mayo Clinic Laboratories, Mayo Clinic); PubMed 29519717 (cited by Mayo Clinic Laboratories, Mayo Clinic).

NM_213720.3(CHCHD10):c.234G>A (p.Ser78=)

Gene: CHCHD10 (coiled-coil-helix-coiled-coil-helix domain containing 10; minus strand). Cytogenetic location: 22q11.23.
Variant type: single nucleotide variant.
Coding change: c.234G>A on transcript NM_213720.3 (MANE Select); coding-DNA position 234, G replaced by A.
Protein change: p.Ser78=; no amino-acid change (serine 78 retained).
Molecular consequence: synonymous variant. On other transcripts: non-coding transcript variant (1).
Genome position (GRCh38, 1-based): chr22:23,767,401, C>T on the plus strand (G>A on the coding strand, the complement: CHCHD10 is on the minus strand). VCF-style: chr22-23767401-C-T. GRCh37 (hg19) VCF-style: chr22-24109588-C-T.
Other names: p.Ser78=; c.234G>A, p.Ser78= (NM_001301339.2).
Identifiers: ClinVar variation 473423 (VCV000473423.52), dbSNP rs111527940, ClinGen allele CA10145286.